The following is an entry in ClinVar:

ClinVar aggregate classification (germline): Conflicting classifications of pathogenicity. Review status: criteria provided, conflicting classifications (1 of 4 stars). 10 submissions from 10 submitters: Pathogenic (3); Likely pathogenic (3); Uncertain significance (4). Last evaluated 2026-02-18.

Conditions:
Cardiovascular phenotype. Identifiers: MedGen CN230736.
Fatal infantile hypertonic myofibrillar myopathy (MFM2B). Also called: MFM, FATAL INFANTILE HYPERTONIC, ALPHA-B CRYSTALLIN-RELATED; MYOPATHY, MYOFIBRILLAR, 2B, INFANTILE-ONSET. Identifiers: Orphanet 280553, MedGen C5190691, MONDO:0013472, OMIM 613869.
Cataract 16 multiple types. Also called: CATARACT 16, POSTERIOR POLAR; CATARACT 16, CONGENITAL LAMELLAR; CATARACT, CONGENITAL LAMELLAR. Identifiers: Orphanet 91492, Orphanet 98992, Orphanet 98993, Orphanet 98995, MedGen C3808377, MONDO:0013411, OMIM 613763.
Dilated cardiomyopathy 1II (CMD1II). Identifiers: Orphanet 154, MedGen C3554649, MONDO:0014073, OMIM 615184.
Cardiomyopathy (CMYO). Also called: Cardiomyopathies. Identifiers: Orphanet 167848, MedGen C0878544, MONDO:0004994, HP:0001638. Inheritance: Various modes of inheritance.

Allele frequency attached by ClinVar (database versions not stated): gnomAD exomes 0.00002 and 0.00007; TOPMed 0.00002; gnomAD 0.00003; ExAC 0.00008.

Submissions (10):

Women's Health and Genetics/Laboratory Corporation of America, LabCorp
Classification: Pathogenic for Fatal infantile hypertonic myofibrillar myopathy. Last evaluated: 2026-02-18. Review status: criteria provided, single submitter. Criteria: LabCorp Variant Classification Summary - May 2015. Collection method: clinical testing. Allele origin: germline.
Comment: Variant summary: CRYAB c.3G>A (p.Met1Ile) alters the initiation codon and is predicted to result either in absence of the protein or truncation of the encoded protein due to translation initiation at a downstream codon. The next downstream start codon is Met68. The variant allele was found at a frequency of 6.7e-05 in 192938 control chromosomes, predominantly at a frequency of 0.00088 within the East Asian subpopulation in the gnomAD database, including 1 homozygote. This frequency is not significantly higher than estimated for disease-causing variants in CRYAB, allowing no conclusion about variant significance. c.3G>A has been observed as a biallelic genotype in multiple individuals affected with Fatal Infantile Hypertonic Myofibrillar Myopathy (e.g. Ma_2019, Lu_2021, Zhang_2022). These data indicate that the variant is very likely to be associated with disease. It has also been reported in at least one individual affected with Dilated Cardiomyopathy (e.g. Xiao_2021). To our knowledge, no experimental evidence demonstrating an impact on protein function has been reported. The following publications have been ascertained in the context of this evaluation (PMID: 33834702, 31215171, 33996946, 36727013). ClinVar contains an entry for this variant (Variation ID: 44236). While this variant has been reported in the literature, the clinical significance of the variant for Dilated Cardiomyopathy could not be established. Based on the evidence outlined above, the variant was classified as pathogenic for Fatal Infantile Hypertonic Myofibrillar Myopathy.

Ambry Genetics
Classification: Uncertain significance for Cardiovascular phenotype. Last evaluated: 2025-08-27. Review status: criteria provided, single submitter. Criteria: Ambry Variant Classification Scheme 2023. Collection method: clinical testing. Allele origin: germline.
Comment: The p.M1? variant (also known as c.3G>A) is located in coding exon 1 of the CRYAB gene and results from a G to A substitution at nucleotide position 3. This alters the methionine residue at the initiation codon (ATG). This variant has been identified in the homozygous state and/or in conjunction with other CRYAB variant(s) in individual(s) with features consistent with autosomal recessive hypertonic myofibrillar myopathy (Ma K et al., Mol Genet Genomic Med. 2019 Aug;7(8):e825.; Lu XG et al., J Integr Neurosci. 2021 Mar 30;20(1):143-151.; Zhang SS et al., Front Pediatr. 2023 Jan 16;10:993165). In addition to the clinical data presented in the literature, sequence variations that modify the initiation codon are expected to result in either loss of translation initiation, N-terminal truncation, or cause a shift in the mRNA reading frame. However, loss of function of CRYAB has not been established as a mechanism of disease. Based on the available evidence, the clinical significance of this alteration remains unclear.

First Genomix Gene Laboratory, Genetic Diagnostics Department
Classification: Likely pathogenic for Cataract 16 multiple types; Fatal infantile hypertonic myofibrillar myopathy. Last evaluated: 2025-08-07. Review status: criteria provided, single submitter. Criteria: ACMG Guidelines, 2015. Collection method: clinical testing. Allele origin: germline. Inheritance: Autosomal recessive inheritance. Affected: no. Observed: 1 variant allele.

Labcorp Genetics (formerly Invitae), Labcorp
Classification: Pathogenic for Dilated cardiomyopathy 1II. Last evaluated: 2025-02-27. Review status: criteria provided, single submitter. Criteria: Invitae Variant Classification Sherloc (09022015). Collection method: clinical testing. Allele origin: germline.
Comment: This sequence change affects the initiator methionine of the CRYAB mRNA. The next in-frame methionine is located at codon 68. This variant is present in population databases (rs397516686, gnomAD 0.1%), including at least one homozygous and/or hemizygous individual. Disruption of the initiator codon has been observed in individuals with autosomal recessive myofibrillar myopathy (PMID: 31215171, 33834702). ClinVar contains an entry for this variant (Variation ID: 44236). For these reasons, this variant has been classified as Pathogenic.

Revvity Omics, Revvity
Classification: Likely pathogenic. Last evaluated: 2025-02-24. Review status: criteria provided, single submitter. Criteria: ACMG Guidelines, 2015. Collection method: clinical testing. Allele origin: germline.

Mayo Clinic Laboratories, Mayo Clinic
Classification: Uncertain significance. Last evaluated: 2025-01-22. Review status: criteria provided, single submitter. Criteria: ACMG Guidelines, 2015. Collection method: clinical testing. Allele origin: germline. Observed: 1 variant allele.
Comment: PM3, PVS1_moderate

Mendelics
Classification: Uncertain significance. Last evaluated: 2022-05-04. Review status: criteria provided, single submitter. Criteria: Mendelics Assertion Criteria 2019. Collection method: clinical testing. Allele origin: germline.

GeneDx
Classification: Pathogenic. Last evaluated: 2021-11-24. Review status: criteria provided, single submitter. Criteria: GeneDx Variant Classification Process June 2021. Collection method: clinical testing. Allele origin: germline. Affected: yes.
Comment: Initiation codon variant in a gene for which loss-of-function is a known mechanism of disease; This variant is associated with the following publications: (PMID: 31215171, 33834702)

Department of Pathology and Laboratory Medicine, Sinai Health System
Classification: Uncertain significance for cataract 16 multiple types. Last evaluated: 2021-08-10. Review status: criteria provided, single submitter. Criteria: ACMG Guidelines, 2015. Collection method: research. Allele origin: germline.

Laboratory for Molecular Medicine, Mass General Brigham Personalized Medicine
Classification: Likely pathogenic for Cardiomyopathy. Last evaluated: 2012-02-13. Review status: criteria provided, single submitter. Criteria: LMM Criteria. Collection method: clinical testing. Allele origin: germline. Observed: 2 variant alleles.
Comment: The Met1? variant (CRYAB) has not been reported in the literature and has not be en previously detected by our laboratory. This variant is predicted to severely affect the synthesis of the CRYAB protein by disrupting the translation initiat ion start codon (ATG). In summary, this variant is likely to be pathogenic.

Literature cited by the submitters: PubMed 33996946 (cited by Women's Health and Genetics/Laboratory Corporation of America, LabCorp and Mayo Clinic Laboratories, Mayo Clinic); PubMed 33834702 (cited by 4 submitters); PubMed 31215171 (cited by 4 submitters); PubMed 36727013 (cited by 3 submitters); PubMed 16483541 (cited by Mayo Clinic Laboratories, Mayo Clinic); PubMed 16793013 (cited by Mayo Clinic Laboratories, Mayo Clinic); PubMed 23197161 (cited by Mayo Clinic Laboratories, Mayo Clinic); PubMed 31737537 (cited by Mayo Clinic Laboratories, Mayo Clinic); PubMed 37198425 (cited by Mayo Clinic Laboratories, Mayo Clinic).

NM_001289808.2(CRYAB):c.3G>A (p.Met1Ile)

Gene: CRYAB (crystallin alpha B; minus strand). Cytogenetic location: 11q23.1.
Variant type: single nucleotide variant.
Coding change: c.3G>A on transcript NM_001289808.2 (MANE Select); coding-DNA position 3, G replaced by A.
Protein change: p.Met1Ile; changes the start codon (methionine 1).
Molecular consequence: missense variant, initiator codon variant.
Genome position (GRCh38, 1-based): chr11:111,911,722, C>T on the plus strand (G>A on the coding strand, the complement: CRYAB is on the minus strand). VCF-style: chr11-111911722-C-T. GRCh37 (hg19) VCF-style: chr11-111782446-C-T.
Other names: c.3G>A, p.Met1Ile (NM_001289807.1, NM_001368245.1, NM_001885.3); short protein forms M1I.
Identifiers: ClinVar variation 44236 (VCV000044236.25), dbSNP rs397516686, ClinGen allele CA261518.